The following is an entry in ClinVar:

NM_000075.4(CDK4):c.698C>T (p.Pro233Leu)

Genes: CDK4 (cyclin dependent kinase 4; minus strand), TSPAN31 (tetraspanin 31; plus strand). Cytogenetic location: 12q14.1.
Variant type: single nucleotide variant.
Coding change: c.698C>T on transcript NM_000075.4 (MANE Select); coding-DNA position 698, C replaced by T.
Protein change: p.Pro233Leu; replaces proline 233 with leucine.
Molecular consequence: missense variant. On other transcripts: 3 prime UTR variant (3).
Genome position (GRCh38, 1-based): chr12:57,749,303, G>A on the plus strand (C>T on the coding strand, the complement: CDK4 is on the minus strand). VCF-style: chr12-57749303-G-A. GRCh37 (hg19) VCF-style: chr12-58143086-G-A.
Other names: c.*2013G>A (NM_001330168.2, NM_001330169.2, NM_005981.5); short protein forms P233L.
Identifiers: ClinVar variation 961837 (VCV000961837.7), dbSNP rs1955202640, ClinGen allele CA385543670.
Genomic context (GRCh38, chr12:57,749,303, plus strand): 5'-CCTCTGGGGGGAAAGGCTCCACGGGGCAGGGATACATCTCGAGGCCAGTCATCCTCTGGA[G>A]GCAGCCCAATCAGGCTGTGGGGGACAGGAGAACTCTGGTCAGGAGGGTCCTCCAGTTCCC-3'
Protein context (NP_000066.1, residues 223-243): LGKIFDLIGL[Pro233Leu]PEDDWPRDVS

ClinVar aggregate classification (germline): Uncertain significance (1 of 4 stars; one submission).

Conditions:
Familial melanoma. Also called: Hereditary melanoma; Hereditary cutaneous melanoma. Identifiers: Orphanet 618, MedGen C1512419, MONDO:0018961.

Submission:

Labcorp Genetics (formerly Invitae), Labcorp
Classification: Uncertain significance for Familial melanoma. Last evaluated: 2022-02-24. Review status: criteria provided, single submitter. Criteria: Invitae Variant Classification Sherloc (09022015). Collection method: clinical testing. Allele origin: germline.
Comment: This sequence change replaces proline, which is neutral and non-polar, with leucine, which is neutral and non-polar, at codon 233 of the CDK4 protein (p.Pro233Leu). This variant is not present in population databases (gnomAD no frequency). This variant has not been reported in the literature in individuals affected with CDK4-related conditions. ClinVar contains an entry for this variant (Variation ID: 961837). Advanced modeling of protein sequence and biophysical properties (such as structural, functional, and spatial information, amino acid conservation, physicochemical variation, residue mobility, and thermodynamic stability) performed at Invitae indicates that this missense variant is expected to disrupt CDK4 protein function. In summary, the available evidence is currently insufficient to determine the role of this variant in disease. Therefore, it has been classified as a Variant of Uncertain Significance.